The following is an entry in ClinVar:

ClinVar aggregate classification (germline): Uncertain significance. Review status: criteria provided, multiple submitters, no conflicts (2 of 4 stars). 5 submissions from 5 submitters: Uncertain significance (4). 1 of the submissions does not count toward it. Last evaluated 2025-08-31.

Conditions:
Hereditary cancer-predisposing syndrome. Also called: Hereditary neoplastic syndrome; Hereditary Cancer Syndrome; Neoplastic Syndromes, Hereditary; Tumor predisposition. Identifiers: Orphanet 140162, MedGen C0027672, MeSH D009386, MONDO:0015356.
Ataxia-telangiectasia syndrome (AT). Also called: Ataxia-telangiectasia, complementation group D; Cerebello-oculocutaneous telangiectasia; Immunodeficiency with ataxia telangiectasia; ATAXIA-TELANGIECTASIA, COMPLEMENTATION GROUP A; ATAXIA-TELANGIECTASIA, FRESNO VARIANT; LOUIS-BAR SYNDROME. Identifiers: Orphanet 100, MedGen C0004135, MONDO:0008840, OMIM 208900.

Allele frequency attached by ClinVar (database versions not stated): gnomAD exomes below 0.00001; gnomAD 0.00002 and 0.00003; TOPMed 0.00002.
gnomAD v4.1: 4 of 1,613,748 alleles (0.00025%); highest among the groups gnomAD compares: African/African-American, 0.0053%; no homozygotes.

Submissions (5):

Ambry Genetics
Classification: Uncertain significance for Hereditary cancer-predisposing syndrome. Last evaluated: 2025-08-31. Review status: criteria provided, single submitter. Criteria: Ambry Variant Classification Scheme 2023. Collection method: clinical testing. Allele origin: germline.
Comment: The p.S809A variant (also known as c.2425T>G), located in coding exon 15 of the ATM gene, results from a T to G substitution at nucleotide position 2425. The serine at codon 809 is replaced by alanine, an amino acid with similar properties. This amino acid position is highly conserved in available vertebrate species. In addition, the in silico prediction for this alteration is inconclusive. Since supporting evidence is limited at this time, the clinical significance of this alteration remains unclear.

Labcorp Genetics (formerly Invitae), Labcorp
Classification: Uncertain significance for Ataxia-telangiectasia syndrome. Last evaluated: 2025-07-20. Review status: criteria provided, single submitter. Criteria: Invitae Variant Classification Sherloc (09022015). Collection method: clinical testing. Allele origin: germline.
Comment: This sequence change replaces serine, which is neutral and polar, with alanine, which is neutral and non-polar, at codon 809 of the ATM protein (p.Ser809Ala). This variant is present in population databases (no rsID available, gnomAD 0.01%). This variant has not been reported in the literature in individuals affected with ATM-related conditions. ClinVar contains an entry for this variant (Variation ID: 419069). Invitae Evidence Modeling of protein sequence and biophysical properties (such as structural, functional, and spatial information, amino acid conservation, physicochemical variation, residue mobility, and thermodynamic stability) indicates that this missense variant is not expected to disrupt ATM protein function with a negative predictive value of 95%. In summary, the available evidence is currently insufficient to determine the role of this variant in disease. Therefore, it has been classified as a Variant of Uncertain Significance.

Color Diagnostics, LLC DBA Color Health
Classification: Uncertain significance for Hereditary cancer-predisposing syndrome. Last evaluated: 2018-12-16. Review status: criteria provided, single submitter. Criteria: ACMG Guidelines, 2015. Collection method: clinical testing. Allele origin: germline.

GeneDx
Classification: Uncertain significance. Last evaluated: 2015-05-19. Review status: criteria provided, single submitter. Criteria: GeneDx Variant Classification (06012015). Collection method: clinical testing. Allele origin: germline. Affected: yes.
Comment: This variant is denoted ATM c.2425T>G at the cDNA level, p.Ser809Ala (S809A) at the protein level, and results in the change of a Serine to an Alanine (TCA>GCA). This variant has not, to our knowledge, been published in the literature as pathogenic or benign. ATM Ser809Ala was not observed in approximately 6,500 individuals of European and African American ancestry in the NHLBI Exome Sequencing Project, indicating it is not a common benign variant in these populations. Since Serine and Alanine differ in polarity, charge, size or other properties, this is considered a non-conservative amino acid substitution. ATM Ser809Ala occurs at a position that is conserved across species and is not located in a known functional domain (Tavtigian 2009, UniProt). In silico analyses predict that this variant is unlikely to alter protein structure or function. Based on currently available information, it is unclear whether ATM Ser809Ala is pathogenic or benign. We consider it to be a variant of uncertain significance.

Natera, Inc.
Classification: Uncertain significance for Ataxia-telangiectasia. Last evaluated: 2021-04-22. Review status: no assertion criteria provided. Collection method: clinical testing. Allele origin: germline. Not counted in ClinVar's aggregate classification.

NM_000051.4(ATM):c.2425T>G (p.Ser809Ala)

Gene: ATM (ATM serine/threonine kinase; plus strand). Cytogenetic location: 11q22.3.
Variant type: single nucleotide variant.
Coding change: c.2425T>G on transcript NM_000051.4 (MANE Select); coding-DNA position 2425, T replaced by G.
Protein change: p.Ser809Ala; replaces serine 809 with alanine.
Molecular consequence: missense variant.
Genome position (GRCh38, 1-based): chr11:108,259,034, T>G. VCF-style: chr11-108259034-T-G. GRCh37 (hg19) VCF-style: chr11-108129761-T-G.
Other names: c.2425T>G, p.Ser809Ala (NM_001351834.2); short protein forms S809A.
Identifiers: ClinVar variation 419069 (VCV000419069.22), dbSNP rs926246315, ClinGen allele CA16619138.